The following is an entry in ClinVar:

ClinVar aggregate classification (germline): Likely benign (1 of 4 stars; one submission).

Submission:

Women's Health and Genetics/Laboratory Corporation of America, LabCorp
Classification: Likely benign. Last evaluated: 2026-04-17. Review status: criteria provided, single submitter. Criteria: LabCorp Variant Classification Summary - May 2015. Collection method: clinical testing. Allele origin: germline.
Comment: Variant summary: AEBP1 c.2710-14_2710-13delinsT alters a nucleotide located at a position not widely known to affect splicing. Consensus agreement among computation tools predict no significant impact on normal splicing. However, these predictions have yet to be confirmed by functional studies. The variant was absent in 281882 control chromosomes. The available data on variant occurrences in the general population are insufficient to allow any conclusion about variant significance. To our knowledge, no occurrence of c.2710-14_2710-13delinsT in individuals affected with AEBP1-related conditions and no experimental evidence demonstrating its impact on protein function have been reported. No submitters have cited clinical-significance assessments for this variant to ClinVar. Based on the evidence outlined above, the variant was classified as likely benign.

NM_001129.5(AEBP1):c.2710-14_2710-13delinsT

Gene: AEBP1 (AE binding protein 1; plus strand). Cytogenetic location: 7p13.
Variant type: Indel.
Coding change: c.2710-14_2710-13delinsT on transcript NM_001129.5 (MANE Select); 14 bases into the intron before coding-DNA position 2710 through 13 bases into the intron before coding-DNA position 2710, AC replaced by T.
Molecular consequence: intron variant.
Genome position (GRCh38, 1-based): chr7:44,113,238-44,113,239, AC replaced by T. VCF-style: chr7-44113238-AC-T. GRCh37 (hg19) VCF-style: chr7-44152837-AC-T.
Identifiers: ClinVar variation 4848467 (VCV004848467.1).
Genomic context (GRCh38, chr7:44,113,238, plus strand): 5'-CTGGATGGGCGGGAGGGAGCAGCGGACCACATTGGACCTTCCTGAGGACCAGCAGCCCTC[AC>T]CTGCTTCCCTAGGTGCACCGCGGCATTAAGGGGGTGGTGACGGACGAGCAAGGCATCCCC-3'